The following is an entry in ClinVar:

GRCh37/hg19 17q12(chr17:34425362-36283612)x3

Genes: AATF (apoptosis antagonizing transcription factor; plus strand), ACACA (acetyl-CoA carboxylase alpha; minus strand), C17orf78 (chromosome 17 open reading frame 78; plus strand), CCL3L1 (C-C motif chemokine ligand 3 like 1; minus strand), CCL3L3 (C-C motif chemokine ligand 3 like 3; minus strand) and 18 more. Cytogenetic location: 17q12.
Variant type: copy number gain.
Change: copy number 3 (three copies instead of two) of chr17:34,425,362-36,283,612 (1.86 Mb, GRCh37 coordinates, 1-based), cytogenetic band 17q12.
Identifiers: ClinVar variation 564431 (VCV000564431.4).

ClinVar aggregate classification (germline): Pathogenic (0 of 4 stars; one submission).

Submission:

Quest Diagnostics Nichols Institute San Juan Capistrano
Classification: Pathogenic. Last evaluated: 2021-05-01. Review status: no assertion criteria provided. Collection method: clinical testing. Allele origin: germline.
Comment: This duplication involves a number of OMIM/RefSeq annotated genes and is associated with the chromosome 17q12 duplication syndrome (OMIM #614526). Patients with 17q12 duplications were characterized by an extremely wide phenotypic spectrum, including a variable degree of learning disabilities, delayed language development, delayed motor milestones, and a broad range of psychiatric and neurological features. Relatively rare clinical features included corpus callosum agenesis, esophageal atresia, trachea-esophageal fistula, echogenic kidneys and unilateral duplicated collecting system. Please note that this patient group also included adults achieving an academic degree and harboring no malformations (Rasmussen M, et al. Am J Med Genet Part A, 2016 Nov;170(11):2934-2942 PMID: 27409573; Mefford, et al., Am J Hum Genet. 2007 Nov;81(5):1057-69. PMID: 17924346. Nagamani, et al., Eur J Hum Genet. 2010 Mar;18(3):278-84. PMID: 19844256). Most 17q12 duplication cases are familial. The 17q12 duplication likely has reduced penetrance and variable expressivity since it is inherited in most instances from a parent who is often minimally affected or phenotypically normal.